The following is an entry in ClinVar:

NM_173076.3(ABCA12):c.7323del (p.Val2442fs)

Genes: ABCA12 (ATP binding cassette subfamily A member 12; minus strand), SNHG31 (small nucleolar RNA host gene 31; plus strand). Cytogenetic location: 2q35.
Variant type: Deletion.
Coding change: c.7323del on transcript NM_173076.3 (MANE Select); coding-DNA position 7323, one base deleted (C; older notation c.7323delC).
Protein change: p.Val2442fs; shifts the reading frame from valine 2442.
Molecular consequence: frameshift variant. On other transcripts: non-coding transcript variant (1).
Genome position (GRCh38, 1-based): chr2:214,945,021, G deleted on the plus strand (C on the coding strand, the reverse complement: ABCA12 is on the minus strand); the first of 2 consecutive G bases (chr2:214,945,021-214,945,022); deleting either gives the same sequence. VCF-style (leftmost placement, unchanged base first): chr2-214945020-CG-C. GRCh37 (hg19) VCF-style: chr2-215809744-CG-C.
Other names: c.6369del, p.Val2124fs (NM_015657.4); c.7323del (NM_173076.2); c.7323delC (NM_173076.2); short protein forms V2124fs, V2442fs.
Identifiers: ClinVar variation 2859 (VCV000002859.11), dbSNP rs387906284, ClinGen allele CA252479.
Genomic context (GRCh38, chr2:214,945,020, plus strand): 5'-AAGACTGTGTGGATTCGCTTTAAAGATTCCACTCAGTTTACCTGTGAGATGTGAGGATGA[CG>C]GAACATTTGTTCTGTACTTCTTCTGAAATGATCTTCCAGAGGTGCCGTTTCGACTTCGGA-3'

ClinVar aggregate classification (germline): Pathogenic. Review status: criteria provided, multiple submitters, no conflicts (2 of 4 stars). 5 submissions from 5 submitters: Pathogenic (4). 1 of the submissions does not count toward it. Last evaluated 2026-10-22.

Conditions:
Autosomal recessive congenital ichthyosis 4A (LI2). Also called: ICHTHYOSIS CONGENITA IIB. Identifiers: Orphanet 313, MedGen C1832550, MONDO:0011026, OMIM 601277.
Autosomal recessive congenital ichthyosis 4B (ARCI4B). Also called: HARLEQUIN ICHTHYOSIS; ICHTHYOSIS CONGENITA, HARLEQUIN FETUS TYPE; Ichthyosis, congenital, autosomal recessive 4B (harlequin); Harlequin Fetus. Identifiers: Orphanet 457, MedGen C0598226, MONDO:0009443, OMIM 242500.

Submissions (5):

GeneDx
Classification: Pathogenic. Last evaluated: 2026-10-22. Review status: criteria provided, single submitter. Criteria: GeneDx Variant Classification Process June 2021. Collection method: clinical testing. Allele origin: germline.
Comment: Frameshift variant predicted to result in protein truncation or nonsense mediated decay in a gene for which loss of function is a known mechanism of disease; This variant is associated with the following publications: (PMID: 15756637, 31168818, 36980989)

Fulgent Genetics
Classification: Pathogenic for Autosomal recessive congenital ichthyosis 4B; Autosomal recessive congenital ichthyosis 4A. Last evaluated: 2024-01-06. Review status: criteria provided, single submitter. Criteria: ACMG Guidelines, 2015. Collection method: clinical testing. Allele origin: germline.

Labcorp Genetics (formerly Invitae), Labcorp
Classification: Pathogenic. Last evaluated: 2023-09-29. Review status: criteria provided, single submitter. Criteria: Invitae Variant Classification Sherloc (09022015). Collection method: clinical testing. Allele origin: germline.
Comment: ClinVar contains an entry for this variant (Variation ID: 2859). This sequence change creates a premature translational stop signal (p.Val2442Serfs*22) in the ABCA12 gene. It is expected to result in an absent or disrupted protein product. Loss-of-function variants in ABCA12 are known to be pathogenic (PMID: 20672373). This variant is present in population databases (rs387906284, gnomAD 0.01%). This premature translational stop signal has been observed in individual(s) with autosomal recessive congenital ichthyosis (PMID: 15756637, 31168818). This variant is also known as 7541delC. For these reasons, this variant has been classified as Pathogenic.

Revvity Omics, Revvity
Classification: Pathogenic. Last evaluated: 2022-10-28. Review status: criteria provided, single submitter. Criteria: ACMG Guidelines, 2015. Collection method: clinical testing. Allele origin: germline.

OMIM
Classification: Pathogenic for ICHTHYOSIS, CONGENITAL, AUTOSOMAL RECESSIVE 4B. Last evaluated: 2005-05-01. Review status: no assertion criteria provided. Collection method: literature only. Allele origin: germline. Not counted in ClinVar's aggregate classification.

Literature cited by the submitters: PubMed 20672373 (cited by Labcorp Genetics (formerly Invitae), Labcorp); PubMed 15756637 (cited by Labcorp Genetics (formerly Invitae), Labcorp and OMIM); PubMed 31168818 (cited by Labcorp Genetics (formerly Invitae), Labcorp).